The following is an entry in ClinVar:

NM_000093.5(COL5A1):c.5039G>T (p.Cys1680Phe)

Genes: COL5A1 (collagen type V alpha 1 chain; plus strand), LOC101448202 (uncharacterized LOC101448202; minus strand). Cytogenetic location: 9q34.3.
Variant type: single nucleotide variant.
Coding change: c.5039G>T on transcript NM_000093.5 (MANE Select); coding-DNA position 5039, G replaced by T.
Protein change: p.Cys1680Phe; replaces cysteine 1680 with phenylalanine.
Molecular consequence: missense variant.
Genome position (GRCh38, 1-based): chr9:134,825,876, G>T. VCF-style: chr9-134825876-G-T. GRCh37 (hg19) VCF-style: chr9-137717722-G-T.
Other names: c.5039G>T, p.Cys1680Phe (NM_001278074.1); short protein forms C1680F.
Identifiers: ClinVar variation 647511 (VCV000647511.10), dbSNP rs1588599870, ClinGen allele CA375459005.

ClinVar aggregate classification (germline): Uncertain significance (1 of 4 stars; one submission).

Conditions:
Ehlers-Danlos syndrome, classic type, 1 (EDSCL1). Also called: EDS I; EHLERS-DANLOS SYNDROME, GRAVIS TYPE; EHLERS-DANLOS SYNDROME, SEVERE CLASSIC TYPE; Ehlers-Danlos Syndrome, Classic Type, COL5A1-Related; Ehlers-Danlos syndrome, type 1. Identifiers: MedGen C0268335, MONDO:0019567, OMIM 130000.

Submission:

Labcorp Genetics (formerly Invitae), Labcorp
Classification: Uncertain significance for Ehlers-Danlos syndrome, classic type, 1. Last evaluated: 2023-04-17. Review status: criteria provided, single submitter. Criteria: Invitae Variant Classification Sherloc (09022015). Collection method: clinical testing. Allele origin: germline.
Comment: This sequence change replaces cysteine, which is neutral and slightly polar, with phenylalanine, which is neutral and non-polar, at codon 1680 of the COL5A1 protein (p.Cys1680Phe). In summary, the available evidence is currently insufficient to determine the role of this variant in disease. Therefore, it has been classified as a Variant of Uncertain Significance. Advanced modeling of protein sequence and biophysical properties (such as structural, functional, and spatial information, amino acid conservation, physicochemical variation, residue mobility, and thermodynamic stability) performed at Invitae indicates that this missense variant is expected to disrupt COL5A1 protein function. ClinVar contains an entry for this variant (Variation ID: 647511). This variant has not been reported in the literature in individuals affected with COL5A1-related conditions. This variant is not present in population databases (gnomAD no frequency).